The following is an entry in ClinVar:

NM_001005242.3(PKP2):c.1379-2043A>T

Gene: PKP2 (plakophilin 2; minus strand). Cytogenetic location: 12p11.21.
Variant type: single nucleotide variant.
Coding change: c.1379-2043A>T on transcript NM_001005242.3 (MANE Select); 2043 bases into the intron before coding-DNA position 1379, A replaced by T.
Molecular consequence: intron variant. On other transcripts: missense variant (2).
Genome position (GRCh38, 1-based): chr12:32,843,248, T>A on the plus strand (A>T on the coding strand, the complement: PKP2 is on the minus strand). VCF-style: chr12-32843248-T-A. GRCh37 (hg19) VCF-style: chr12-32996182-T-A.
Other names: c.1444A>T, p.Ser482Cys (NM_001407157.1, NM_004572.4); c.1379-2043A>T (NM_001407156.1, NM_001407155.1, NM_001407161.1); c.1052-2043A>T (NM_001407160.1, NM_001407159.1, NM_001407158.1 and 1 more transcripts); short protein forms S482C.
Identifiers: ClinVar variation 4758131 (VCV004758131.1).

ClinVar aggregate classification (germline): Uncertain significance (1 of 4 stars; one submission).

Conditions:
Cardiomyopathy (CMYO). Also called: Cardiomyopathies. Identifiers: Orphanet 167848, MedGen C0878544, MONDO:0004994, HP:0001638. Inheritance: Various modes of inheritance.

Submission:

Color Diagnostics, LLC DBA Color Health
Classification: Uncertain significance for Cardiomyopathy. Last evaluated: 2025-10-03. Review status: criteria provided, single submitter. Criteria: ACMG Guidelines, 2015. Collection method: clinical testing. Allele origin: germline.
Comment: This missense variant replaces serine with cysteine at codon 482 of the PKP2 protein. Computational prediction suggests that this variant may not impact protein structure and function. To our knowledge, functional studies have not been reported for this variant. This variant has not been reported in individuals affected with PKP2-related disorders in the literature. This variant has not been identified in the general population by the Genome Aggregation Database (gnomAD). The available evidence is insufficient to determine the role of this variant in disease conclusively. Therefore, this variant is classified as a Variant of Uncertain Significance.